The following is an entry in ClinVar:

ClinVar aggregate classification (germline): Likely benign (1 of 4 stars; one submission).

Conditions:
GNAS-related disorder. Identifiers: MedGen CN380105.

Submission:

PreventionGenetics, part of Exact Sciences
Classification: Likely benign for GNAS-related condition. Last evaluated: 2025-04-03. Review status: criteria provided, single submitter. Criteria: ACMG Guidelines, 2015. Collection method: clinical testing. Allele origin: germline.
Comment: This variant is classified as likely benign based on ACMG/AMP sequence variant interpretation guidelines (Richards et al. 2015 PMID: 25741868, with internal and published modifications).

NM_000516.7(GNAS):c.-34_-8dup

Gene: GNAS (GNAS complex locus; plus strand). Cytogenetic location: 20q13.32.
Variant type: Duplication.
Coding change: c.-34_-8dup on transcript NM_000516.7 (MANE Select); 34 bases upstream of the start codon through 8 bases upstream of the start codon, 27 bases duplicated (AGCCCGGCCGCGCCCCGCCGCCGCCGC).
Molecular consequence: 5 prime UTR variant. On other transcripts: intron variant (11).
Genome position (GRCh38, 1-based): chr20:58,891,693-58,891,719, AGCCCGGCCGCGCCCCGCCGCCGCCGC duplicated; duplicating any 27 consecutive bases within chr20:58,891,679-58,891,719 gives the same sequence; the c. name uses the placement nearest the transcript's 3' end. VCF-style (leftmost placement, unchanged base first): chr20-58891678-G-GCCCGCCGCCGCCGCAGCCCGGCCGCGC. GRCh37 (hg19) VCF-style: chr20-57466733-G-GCCCGCCGCCGCCGCAGCCCGGCCGCGC.
Other names: c.-34_-8dup (NM_001077488.5, NM_001077489.4, NM_001309842.2 and 1 more transcripts); c.*43-3919_*43-3893dup (NM_016592.5); c.44-3919_44-3893dup (NM_001410912.1); c.-38-3919_-38-3893dup (NM_001309861.2); c.*1-3919_*1-3893dup (NM_001077490.3); c.2069-3919_2069-3893dup (NM_080425.4, NM_001410913.1); c.*159-3919_*159-3893dup (NM_001309883.1); c.-39+2340_-39+2366dup (NM_001438273.1, NM_001309840.2); and 1 more.
Identifiers: ClinVar variation 4999297 (VCV004999297.1).